The following is an entry in ClinVar:

NM_017671.5(FERMT1):c.1089+3A>G

Gene: FERMT1 (FERM domain containing kindlin 1; minus strand). Cytogenetic location: 20p12.3.
Variant type: single nucleotide variant.
Coding change: c.1089+3A>G on transcript NM_017671.5 (MANE Select); 3 bases into the intron after coding-DNA position 1089, A replaced by G.
Molecular consequence: intron variant.
Genome position (GRCh38, 1-based): chr20:6,096,899, T>C on the plus strand (A>G on the coding strand, the complement: FERMT1 is on the minus strand). VCF-style: chr20-6096899-T-C. GRCh37 (hg19) VCF-style: chr20-6077546-T-C.
Identifiers: ClinVar variation 4886166 (VCV004886166.2).

ClinVar aggregate classification (germline): Uncertain significance (1 of 4 stars; one submission).

gnomAD v4.1: 3 of 1,600,590 alleles (0.00019%); highest among the groups gnomAD compares: East Asian, 0.0023%; no homozygotes.

Submission:

Dasa
Classification: Uncertain significance. Last evaluated: 2025-11-21. Review status: criteria provided, single submitter. Criteria: DASA Assertion Criteria. Collection method: clinical testing. Allele origin: germline.
Comment: NM_017671.5(FERMT1):c.1089+3A>G is a splice-region variant predicted to affect normal RNA splicing. This variant affects a splice-region context with prior evidence supporting clinical relevance. This variant has been observed in affected individuals with FERMT1-related disorders. Also, this variant is rare in population databases. Computational prediction algorithms are consistent with a deleterious effect. The currently available literature and clinical evidence are not sufficient to establish a definitive association between this variant and the reported condition. Therefore, this variant is classified as a variant of uncertain significance.